The following is an entry in ClinVar:

ClinVar aggregate classification (germline): Uncertain significance (1 of 4 stars; one submission).

gnomAD v4.1: 9 of 1,592,620 alleles (0.00057%); highest among the groups gnomAD compares: African/African-American, 0.0013%; no homozygotes.

Submission:

GeneDx
Classification: Uncertain significance. Last evaluated: 2025-06-24. Review status: criteria provided, single submitter. Criteria: GeneDx Variant Classification Process June 2021. Collection method: clinical testing. Allele origin: germline. Affected: yes.
Comment: In silico analysis suggests that this missense variant does not alter protein structure/function; Has not been previously published as pathogenic or benign to our knowledge

NM_001385012.1(NBEA):c.4568A>G (p.Asn1523Ser)

Gene: NBEA (neurobeachin; plus strand). Cytogenetic location: 13q13.3.
Variant type: single nucleotide variant.
Coding change: c.4568A>G on transcript NM_001385012.1 (MANE Select); coding-DNA position 4568, A replaced by G.
Protein change: p.Asn1523Ser; replaces asparagine 1523 with serine.
Molecular consequence: missense variant.
Genome position (GRCh38, 1-based): chr13:35,177,009, A>G. VCF-style: chr13-35177009-A-G. GRCh37 (hg19) VCF-style: chr13-35751146-A-G.
Other names: c.4559A>G, p.Asn1520Ser (NM_001379245.1); c.4568A>G, p.Asn1523Ser (NM_015678.5); short protein forms N1520S, N1523S.
Identifiers: ClinVar variation 4540162 (VCV004540162.1).